The following continues an entry in ClinVar:

NM_000152.5(GAA):c.1935C>A (p.Asp645Glu)

Gene: GAA. ClinVar aggregate classification (germline): Pathogenic. Pathogenic (1).

Submissions 18 to 20 of 20:

Juno Genomics, Hangzhou Juno Genomics, Inc
Classification: Pathogenic for Glycogen storage disease, type II; Glycogen storage disease due to acid maltase deficiency, late-onset. Review status: criteria provided, single submitter. Criteria: ACMG Guidelines, 2015. Collection method: clinical testing. Allele origin: germline. Not counted in ClinVar's aggregate classification.
Comment: For recessive disorders, detected in trans with a pathogenic variant.;Well-established in vitro or in vivo functional studies supportive of a damaging effect on the gene or gene product.;Novel missense change at an amino acid residue where a different missense change determined to be pathogenic has been seen before.;Patient's phenotype or family history is highly specific for a disease with a single genetic etiology.

OMIM
Classification: Pathogenic for POMPE DISEASE, INFANTILE-ONSET. Last evaluated: 1998-01-01. Review status: no assertion criteria provided. Collection method: literature only. Allele origin: germline. Not counted in ClinVar's aggregate classification.

GeneReviews
No classification provided. Condition: Glycogen storage disease, type II. Review status: no classification provided. Collection method: literature only. Allele origin: germline. Not counted in ClinVar's aggregate classification.

Literature cited by the submitters: PubMed 39835171 (cited by Genomenon, Inc); PubMed 38162137 (cited by Genomenon, Inc); PubMed 37542277 (cited by Genomenon, Inc and Ambry Genetics); PubMed 37539106 (cited by Genomenon, Inc); PubMed 36542086 (cited by Genomenon, Inc); PubMed 36137614 (cited by Genomenon, Inc); PubMed 35833019 (cited by Genomenon, Inc); PubMed 35264382 (cited by Genomenon, Inc); PubMed 35071497 (cited by Genomenon, Inc); PubMed 31953985 (cited by Genomenon, Inc); PubMed 31510962 (cited by Genomenon, Inc); PubMed 19862843 (cited by Genomenon, Inc); PubMed 8094613 (cited by 8 submitters); PubMed 10338092 (cited by 4 submitters); PubMed 21039225 (cited by 3 submitters); PubMed 21232767 (cited by Labcorp Genetics (formerly Invitae), Labcorp and Myriad Genetics, Inc.); PubMed 21439876 (cited by Labcorp Genetics (formerly Invitae), Labcorp); PubMed 21757382 (cited by Labcorp Genetics (formerly Invitae), Labcorp); PubMed 24269976 (cited by Labcorp Genetics (formerly Invitae), Labcorp); PubMed 9535769 (cited by Labcorp Genetics (formerly Invitae), Labcorp and Ambry Genetics); PubMed 15145338 (cited by Labcorp Genetics (formerly Invitae), Labcorp); PubMed 17723315 (cited by Labcorp Genetics (formerly Invitae), Labcorp); PubMed 20830524 (cited by Labcorp Genetics (formerly Invitae), Labcorp); 28394184 (cited by Medical Genetic Diagnosis and Therapy Center, Fujian Medical University); PubMed 18458862 (cited by 3billion and Mayo Clinic Laboratories, Mayo Clinic); PubMed 9554747 (cited by 5 submitters); PubMed 28394184 (cited by 3billion and Women's Health and Genetics/Laboratory Corporation of America, LabCorp); PubMed 17616415 (cited by 3billion and Ambry Genetics); PubMed 38715621 (cited by Natera, Inc.); PubMed 38186848 (cited by Natera, Inc.); PubMed 7695647 (cited by Ambry Genetics); PubMed 8935410 (cited by Broad Center for Mendelian Genomics, Broad Institute of MIT and Harvard and OMIM); PubMed 16702877 (cited by Myriad Genetics, Inc.); NCBI Bookshelf NBK1261 (cited by GeneReviews); PubMed 20301438 (cited by GeneReviews).